The following is an entry in ClinVar:

NM_001008216.2(GALE):c.826_851del (p.Ser276fs)

Gene: GALE (UDP-galactose-4-epimerase; minus strand). Cytogenetic location: 1p36.11.
Variant type: Deletion.
Coding change: c.826_851del on transcript NM_001008216.2 (MANE Select); coding-DNA positions 826 to 851, 26 bases deleted (TCAGTGCTGCAGATGGTCCAGGCTAT).
Protein change: p.Ser276fs; shifts the reading frame from serine 276.
Molecular consequence: frameshift variant.
Genome position (GRCh38, 1-based): chr1:23,796,531-23,796,556, ATAGCCTGGACCATCTGCAGCACTGA deleted on the plus strand (TCAGTGCTGCAGATGGTCCAGGCTAT on the coding strand, the reverse complement: GALE is on the minus strand); deleting any 26 consecutive bases within chr1:23,796,531-23,796,564 gives the same sequence; the c. name uses the placement nearest the transcript's 3' end. VCF-style (leftmost placement, unchanged base first): chr1-23796530-CATAGCCTGGACCATCTGCAGCACTGA-C. GRCh37 (hg19) VCF-style: chr1-24123020-CATAGCCTGGACCATCTGCAGCACTGA-C.
Other names: c.826_851del, p.Ser276fs (NM_000403.4, NM_001127621.2); short protein forms S276fs.
Identifiers: ClinVar variation 4085889 (VCV004085889.8).

ClinVar aggregate classification (germline): Pathogenic (1 of 4 stars; one submission).

Submission:

CeGaT Center for Human Genetics Tuebingen
Classification: Pathogenic. Last evaluated: 2025-08-01. Review status: criteria provided, single submitter. Criteria: CeGaT Center For Human Genetics Tuebingen Variant Classification Criteria Version 2. Collection method: clinical testing. Allele origin: germline. Affected: yes. Observed: 1 variant allele.
Comment: GALE: PVS1, PM2